The following is an entry in ClinVar:

ClinVar aggregate classification (germline): Uncertain significance (1 of 4 stars; one submission).

Conditions:
EGFR-related lung cancer (EGFR). Identifiers: MedGen CN130014.

Submission:

Labcorp Genetics (formerly Invitae), Labcorp
Classification: Uncertain significance for EGFR-related lung cancer. Last evaluated: 2021-06-25. Review status: criteria provided, single submitter. Criteria: Invitae Variant Classification Sherloc (09022015). Collection method: clinical testing. Allele origin: germline.
Comment: This sequence change replaces alanine with glutamic acid at codon 120 of the EGFR protein (p.Ala120Glu). The alanine residue is moderately conserved and there is a moderate physicochemical difference between alanine and glutamic acid. This variant is not present in population databases (ExAC no frequency). This variant has not been reported in the literature in individuals with EGFR-related conditions. Algorithms developed to predict the effect of missense changes on protein structure and function are either unavailable or do not agree on the potential impact of this missense change (SIFT: "Tolerated"; PolyPhen-2: "Possibly Damaging"; Align-GVGD: "Class C0"). In summary, the available evidence is currently insufficient to determine the role of this variant in disease. Therefore, it has been classified as a Variant of Uncertain Significance.

NM_005228.5(EGFR):c.359C>A (p.Ala120Glu)

Gene: EGFR (epidermal growth factor receptor; plus strand). Cytogenetic location: 7p11.2.
Variant type: single nucleotide variant.
Coding change: c.359C>A on transcript NM_005228.5 (MANE Select); coding-DNA position 359, C replaced by A.
Protein change: p.Ala120Glu; replaces alanine 120 with glutamic acid.
Molecular consequence: missense variant. On other transcripts: intron variant (1).
Genome position (GRCh38, 1-based): chr7:55,143,423, C>A. VCF-style: chr7-55143423-C-A. GRCh37 (hg19) VCF-style: chr7-55211116-C-A.
Other names: c.359C>A, p.Ala120Glu (NM_001346897.2, NM_001346898.2, NM_001346899.2 and 3 more transcripts); c.200C>A, p.Ala67Glu (NM_001346900.2); c.89-12407C>A (NM_001346941.2); short protein forms A120E, A67E.
Identifiers: ClinVar variation 1486743 (VCV001486743.8), dbSNP rs2128927437, ClinGen allele CA367575873.